The following is an entry in ClinVar:

NM_001083962.2(TCF4):c.533C>T (p.Pro178Leu)

Gene: TCF4 (transcription factor 4; minus strand). Cytogenetic location: 18q21.2.
Variant type: single nucleotide variant.
Coding change: c.533C>T on transcript NM_001083962.2 (MANE Select); coding-DNA position 533, C replaced by T.
Protein change: p.Pro178Leu; replaces proline 178 with leucine.
Molecular consequence: missense variant.
Genome position (GRCh38, 1-based): chr18:55,350,375, G>A on the plus strand (C>T on the coding strand, the complement: TCF4 is on the minus strand). VCF-style: chr18-55350375-G-A. GRCh37 (hg19) VCF-style: chr18-53017606-G-A.
Other names: c.839C>T, p.Pro280Leu (NM_001243226.3); c.461C>T, p.Pro154Leu (NM_001243227.2, NM_001306207.1, NM_001348217.1 and 9 more transcripts); c.533C>T, p.Pro178Leu (NM_001243228.2, NM_001330604.3, NM_001369567.1 and 5 more transcripts); c.527C>T, p.Pro176Leu (NM_001243230.2); c.407C>T, p.Pro136Leu (NM_001243231.2, NM_001348211.2); c.320C>T, p.Pro107Leu (NM_001243232.1, NM_001306208.1); c.143C>T, p.Pro48Leu (NM_001243233.2, NM_001330605.3, NM_001348212.2 and 1 more transcripts); c.458C>T, p.Pro153Leu (NM_001348220.1, NM_001369576.1, NM_001369578.1 and 3 more transcripts); and 1 more; short protein forms P107L, P136L, P153L, P154L, P176L, P177L, P178L, P280L.
Identifiers: ClinVar variation 3364237 (VCV003364237.1).

ClinVar aggregate classification (germline): Uncertain significance (1 of 4 stars; one submission).

gnomAD v4.1: 1 of 1,613,592 alleles (0.000062%); highest among the groups gnomAD compares: Non-Finnish European, 0.000085%; no homozygotes.

Submission:

GeneDx
Classification: Uncertain significance. Last evaluated: 2023-11-13. Review status: criteria provided, single submitter. Criteria: GeneDx Variant Classification Process June 2021. Collection method: clinical testing. Allele origin: germline. Affected: yes.
Comment: Not observed at significant frequency in large population cohorts (gnomAD); In silico analysis supports that this missense variant has a deleterious effect on protein structure/function; Has not been previously published as pathogenic or benign to our knowledge